The following is an entry in ClinVar:

NM_001007527.2(LMBRD2):c.341T>A (p.Val114Glu)

Gene: LMBRD2 (LMBR1 domain containing 2; minus strand). Cytogenetic location: 5p13.2.
Variant type: single nucleotide variant.
Coding change: c.341T>A on transcript NM_001007527.2 (MANE Select); coding-DNA position 341, T replaced by A.
Protein change: p.Val114Glu; replaces valine 114 with glutamic acid.
Molecular consequence: missense variant.
Genome position (GRCh38, 1-based): chr5:36,141,134, A>T on the plus strand (T>A on the coding strand, the complement: LMBRD2 is on the minus strand). VCF-style: chr5-36141134-A-T. GRCh37 (hg19) VCF-style: chr5-36141236-A-T.
Other names: short protein forms V114E.
Identifiers: ClinVar variation 4291913 (VCV004291913.2).

ClinVar aggregate classification (germline): Conflicting classifications of pathogenicity. Review status: criteria provided, conflicting classifications (1 of 4 stars). 2 submissions from 2 submitters: Likely pathogenic (1); VUS-mid (1). Last evaluated 2026-10-22.

Conditions:
Developmental delay with variable neurologic and brain abnormalities (MLHNS). Also called: MALHOTRA NEURODEVELOPMENTAL SYNDROME. Identifiers: MedGen C5562060, MONDO:0859218, OMIM 619694.

Submissions (2):

Genetics Department, University Hospital of Toulouse
Classification: VUS-mid for Developmental delay with variable neurologic and brain abnormalities. Last evaluated: 2026-10-22. Review status: criteria provided, single submitter. Criteria: ACMG Guidelines, 2015. Collection method: clinical testing. Allele origin: unknown. Inheritance: Autosomal dominant inheritance. Affected: yes.
Comment: This variant is not observed in version 4.1.2 of the Genome Aggregation Database. Multiple lines of computational evidence suggest the variant may impact the gene or gene product. Based on the available evidence, the c.341T>A p.(Val114Glu) variant has been classified as a variant of uncertain significance for developmental delay with variable neurologic and brain abnormalities.

3billion
Classification: Likely pathogenic for Developmental delay with variable neurologic and brain abnormalities. Last evaluated: 2024-07-05. Review status: criteria provided, single submitter. Criteria: ACMG Guidelines, 2015. Collection method: clinical testing. Allele origin: germline. Affected: yes.
Comment: The variant is not observed in the gnomAD v4.0.0 dataset. Predicted Consequence/Location: Missense changes are a common disease-causing mechanism. In silico tool predictions suggest damaging effect of the variant on gene or gene product [REVEL: 0.78 (>=0.6, sensitivity 0.68 and specificity 0.92); 3Cnet: 0.98 (>=0.6, sensitivity 0.72 and precision 0.9)]. The variant has been previously reported as assumed (i.e. paternity and maternity not confirmed) de novo in at least one similarly affected unrelated individual (3billion dataset). Therefore, this variant is classified as Likely pathogenic according to the recommendation of ACMG/AMP guideline.